The following is an entry in ClinVar:

ClinVar aggregate classification (germline): Uncertain significance (1 of 4 stars; one submission).

Conditions:
Hereditary cancer-predisposing syndrome. Also called: Tumor predisposition; Hereditary neoplastic syndrome; Hereditary Cancer Syndrome; Neoplastic Syndromes, Hereditary. Identifiers: Orphanet 140162, MedGen C0027672, MeSH D009386, MONDO:0015356.

Submission:

Ambry Genetics
Classification: Uncertain significance for Hereditary cancer-predisposing syndrome. Last evaluated: 2025-03-20. Review status: criteria provided, single submitter. Criteria: Ambry Variant Classification Scheme 2023. Collection method: clinical testing. Allele origin: germline.
Comment: The p.E31D variant (also known as c.93G>T), located in coding exon 1 of the RB1 gene, results from a G to T substitution at nucleotide position 93. The glutamic acid at codon 31 is replaced by aspartic acid, an amino acid with highly similar properties. This amino acid position is conserved. In addition, this alteration is predicted to be tolerated by in silico analysis. Based on the available evidence, the clinical significance of this variant remains unclear.

NM_000321.3(RB1):c.93G>T (p.Glu31Asp)

Gene: RB1 (RB transcriptional corepressor 1; plus strand). Cytogenetic location: 13q14.2.
Variant type: single nucleotide variant.
Coding change: c.93G>T on transcript NM_000321.3 (MANE Select); coding-DNA position 93, G replaced by T.
Protein change: p.Glu31Asp; replaces glutamic acid 31 with aspartic acid.
Molecular consequence: missense variant.
Genome position (GRCh38, 1-based): chr13:48,304,005, G>T. VCF-style: chr13-48304005-G-T. GRCh37 (hg19) VCF-style: chr13-48878141-G-T.
Other names: c.93G>T, p.Glu31Asp (NM_001407165.1, NM_001407166.1, NM_001407167.1); short protein forms E31D.
Identifiers: ClinVar variation 3943328 (VCV003943328.1).